The following is an entry in ClinVar:

ClinVar aggregate classification (germline): Uncertain significance. Review status: criteria provided, multiple submitters, no conflicts (2 of 4 stars). 2 submissions from 2 submitters: Uncertain significance (2). Last evaluated 2022-06-16.

Conditions:
Wilson disease (WND). Also called: Wilson's disease. Identifiers: Orphanet 905, MedGen C0019202, MONDO:0010200, OMIM 277900. Disease mechanism: loss of function.

Allele frequency attached by ClinVar (database versions not stated): gnomAD 0.00001; TOPMed 0.00001; ExAC 0.00002; ESP Exome Variant Server 0.00008.
gnomAD v4.1: 10 of 1,614,046 alleles (0.00062%); highest among the groups gnomAD compares: Non-Finnish European, 0.00085%; no homozygotes.

Submissions (2):

Color Diagnostics, LLC DBA Color Health
Classification: Uncertain significance for Wilson disease. Last evaluated: 2022-06-16. Review status: criteria provided, single submitter. Criteria: ACMG Guidelines, 2015. Collection method: clinical testing. Allele origin: germline.
Comment: This missense variant replaces isoleucine with valine at codon 1323 of the ATP7B protein. Computational prediction suggests that this variant may not impact protein structure and function. To our knowledge, functional studies have not been reported for this variant. This variant has not been reported in individuals affected with ATP7B-related disorders in the literature. This variant has been identified in 2/249582 chromosomes in the general population by the Genome Aggregation Database (gnomAD). The available evidence is insufficient to determine the role of this variant in disease conclusively. Therefore, this variant is classified as a Variant of Uncertain Significance.

Labcorp Genetics (formerly Invitae), Labcorp
Classification: Uncertain significance for Wilson disease. Last evaluated: 2022-01-04. Review status: criteria provided, single submitter. Criteria: Invitae Variant Classification Sherloc (09022015). Collection method: clinical testing. Allele origin: germline.
Comment: This sequence change replaces isoleucine, which is neutral and non-polar, with valine, which is neutral and non-polar, at codon 1323 of the ATP7B protein (p.Ile1323Val). This variant is present in population databases (rs377334296, gnomAD 0.002%). This variant has not been reported in the literature in individuals affected with ATP7B-related conditions. Advanced modeling of protein sequence and biophysical properties (such as structural, functional, and spatial information, amino acid conservation, physicochemical variation, residue mobility, and thermodynamic stability) performed at Invitae indicates that this missense variant is not expected to disrupt ATP7B protein function. In summary, the available evidence is currently insufficient to determine the role of this variant in disease. Therefore, it has been classified as a Variant of Uncertain Significance.

NM_000053.4(ATP7B):c.3967A>G (p.Ile1323Val)

Gene: ATP7B (ATPase copper transporting beta; minus strand). Cytogenetic location: 13q14.3.
Variant type: single nucleotide variant.
Coding change: c.3967A>G on transcript NM_000053.4 (MANE Select); coding-DNA position 3967, A replaced by G.
Protein change: p.Ile1323Val; replaces isoleucine 1323 with valine.
Molecular consequence: missense variant.
Genome position (GRCh38, 1-based): chr13:51,937,330, T>C on the plus strand (A>G on the coding strand, the complement: ATP7B is on the minus strand). VCF-style: chr13-51937330-T-C. GRCh37 (hg19) VCF-style: chr13-52511466-T-C.
Other names: c.3346A>G, p.Ile1116Val (NM_001005918.3); c.3634A>G, p.Ile1212Val (NM_001243182.2); c.3733A>G, p.Ile1245Val (NM_001330578.2, NM_001406527.1, NM_001406528.1); c.3715A>G, p.Ile1239Val (NM_001330579.2, NM_001406531.1, NM_001406532.1); c.3967A>G, p.Ile1323Val (NM_001406511.1, NM_001406512.1); c.3961A>G, p.Ile1321Val (NM_001406513.1); c.3934A>G, p.Ile1312Val (NM_001406514.1); c.3913A>G, p.Ile1305Val (NM_001406515.1, NM_001406516.1); and 21 more; short protein forms I1129V, I1210V, I1264V, I1278V, I1096V, I1107V, I1180V, I1197V.
Identifiers: ClinVar variation 2075048 (VCV002075048.2), dbSNP rs377334296, ClinGen allele CA6988523.